The following is an entry in ClinVar:

NM_016335.6(PRODH):c.92C>T (p.Ala31Val)

Gene: PRODH (proline dehydrogenase 1; minus strand). Cytogenetic location: 22q11.21.
Variant type: single nucleotide variant.
Coding change: c.92C>T on transcript NM_016335.6 (MANE Select); coding-DNA position 92, C replaced by T.
Protein change: p.Ala31Val; replaces alanine 31 with valine.
Molecular consequence: missense variant. On other transcripts: 5 prime UTR variant (1), intron variant (1).
Genome position (GRCh38, 1-based): chr22:18,936,196, G>A on the plus strand (C>T on the coding strand, the complement: PRODH is on the minus strand). VCF-style: chr22-18936196-G-A. GRCh37 (hg19) VCF-style: chr22-18923709-G-A.
Other names: c.-78C>T (NM_001368250.2); c.-52+194C>T (NM_001195226.2); short protein forms A31V.
Identifiers: ClinVar variation 2013453 (VCV002013453.4), dbSNP rs2517463408, ClinGen allele CA410654257.

ClinVar aggregate classification (germline): Uncertain significance (1 of 4 stars; one submission).

Conditions:
Proline dehydrogenase deficiency (HYRPRO1). Also called: Hyperprolinemia type 1; PROLINE OXIDASE DEFICIENCY. Identifiers: Orphanet 419, MedGen C0268529, MONDO:0009400, OMIM 239500.

Submission:

Labcorp Genetics (formerly Invitae), Labcorp
Classification: Uncertain significance for Proline dehydrogenase deficiency. Last evaluated: 2022-07-21. Review status: criteria provided, single submitter. Criteria: Invitae Variant Classification Sherloc (09022015). Collection method: clinical testing. Allele origin: germline.
Comment: This variant has not been reported in the literature in individuals affected with PRODH-related conditions. Algorithms developed to predict the effect of missense changes on protein structure and function (SIFT, PolyPhen-2, Align-GVGD) all suggest that this variant is likely to be tolerated. This variant is not present in population databases (gnomAD no frequency). In summary, the available evidence is currently insufficient to determine the role of this variant in disease. Therefore, it has been classified as a Variant of Uncertain Significance. This sequence change replaces alanine, which is neutral and non-polar, with valine, which is neutral and non-polar, at codon 31 of the PRODH protein (p.Ala31Val).